The following is an entry in ClinVar:

NM_001134363.3(RBM20):c.2667G>A (p.Trp889Ter)

Gene: RBM20 (RNA binding motif protein 20; plus strand). Cytogenetic location: 10q25.2.
Variant type: single nucleotide variant.
Coding change: c.2667G>A on transcript NM_001134363.3 (MANE Select); coding-DNA position 2667, G replaced by A.
Protein change: p.Trp889Ter; replaces tryptophan 889 with a stop codon.
Molecular consequence: nonsense.
Genome position (GRCh38, 1-based): chr10:110,821,286, G>A. VCF-style: chr10-110821286-G-A. GRCh37 (hg19) VCF-style: chr10-112581044-G-A.
Other names: short protein forms W889*.
Identifiers: ClinVar variation 1794508 (VCV001794508.5), dbSNP rs1357160179, ClinGen allele CA378377107.
Genomic context (GRCh38, chr10:110,821,286, plus strand): 5'-TTGAATGCTCTCAACCACCCTCTGACCTCCATTCTGCATTTTTGTACAGGAACAAGATTG[G>A]GAGAGTGAAAGTGAGGCAGAGGGGGAGAGCTGGTATCCCACTAACATGGAGGAGCTGGTG-3'

ClinVar aggregate classification (germline): Conflicting classifications of pathogenicity. Review status: criteria provided, conflicting classifications (1 of 4 stars). 2 submissions from 2 submitters: Pathogenic (1); Uncertain significance (1). Last evaluated 2025-11-21.

Conditions:
Cardiovascular phenotype. Identifiers: MedGen CN230736.
Dilated cardiomyopathy 1DD (CMD1DD). Identifiers: Orphanet 154, MedGen C2750995, MONDO:0013168, OMIM 613172.

Allele frequency attached by ClinVar (database versions not stated): gnomAD exomes below 0.00001; TOPMed below 0.00001; gnomAD 0.00001.
gnomAD v4.1: 3 of 1,551,008 alleles (0.00019%); highest among the groups gnomAD compares: Middle Eastern, 0.017%; no homozygotes.

Submissions (2):

Labcorp Genetics (formerly Invitae), Labcorp
Classification: Pathogenic for Dilated cardiomyopathy 1DD. Last evaluated: 2025-11-21. Review status: criteria provided, single submitter. Criteria: Invitae Variant Classification Sherloc (09022015). Collection method: clinical testing. Allele origin: germline.
Comment: This sequence change creates a premature translational stop signal (p.Trp889*) in the RBM20 gene. It is expected to result in an absent or disrupted protein product. Loss-of-function variants in RBM20 are known to be pathogenic (PMID: 20590677, 22004663, 38288598, 38510713, 40339755). This variant is present in population databases (no rsID available, gnomAD 0.01%). This variant has not been reported in the literature in individuals affected with RBM20-related conditions. ClinVar contains an entry for this variant (Variation ID: 1794508). For these reasons, this variant has been classified as Pathogenic.

Ambry Genetics
Classification: Uncertain significance for Cardiovascular phenotype. Last evaluated: 2022-03-11. Review status: criteria provided, single submitter. Criteria: Ambry Variant Classification Scheme 2023. Collection method: clinical testing. Allele origin: germline.
Comment: The p.W889* variant (also known as c.2667G>A), located in coding exon 11 of the RBM20 gene, results from a G to A substitution at nucleotide position 2667. This changes the amino acid from a tryptophan to a stop codon within coding exon 11. This alteration is expected to result in premature protein truncation or nonsense-mediated mRNA decay. However, loss of function of RBM20 has not been clearly established as a mechanism of disease. Since supporting evidence is limited at this time, the clinical significance of this alteration remains unclear.

Literature cited by the submitters: PubMed 20590677 (cited by Labcorp Genetics (formerly Invitae), Labcorp); PubMed 22004663 (cited by Labcorp Genetics (formerly Invitae), Labcorp); PubMed 38288598 (cited by Labcorp Genetics (formerly Invitae), Labcorp); PubMed 38510713 (cited by Labcorp Genetics (formerly Invitae), Labcorp); PubMed 40339755 (cited by Labcorp Genetics (formerly Invitae), Labcorp).